The following is an entry in ClinVar:

ClinVar aggregate classification (germline): Benign/Likely benign. Review status: criteria provided, multiple submitters, no conflicts (2 of 4 stars). 3 submissions from 3 submitters: Benign (1); Likely benign (2). Last evaluated 2025-12-03.

Conditions:
Hereditary cancer-predisposing syndrome. Also called: Tumor predisposition; Hereditary neoplastic syndrome; Neoplastic Syndromes, Hereditary; Hereditary Cancer Syndrome. Identifiers: Orphanet 140162, MedGen C0027672, MeSH D009386, MONDO:0015356.
Hereditary diffuse gastric adenocarcinoma (HDGC). Also called: DIFFUSE GASTRIC AND LOBULAR BREAST CANCER SYNDROME. Identifiers: Orphanet 26106, MedGen C1708349, MONDO:0007648, OMIM 137215.

Allele frequency attached by ClinVar (database versions not stated): TOPMed 0.00001.

Submissions (3):

Labcorp Genetics (formerly Invitae), Labcorp
Classification: Likely benign. Last evaluated: 2025-12-03. Review status: criteria provided, single submitter. Criteria: Invitae Variant Classification Sherloc (09022015). Collection method: clinical testing. Allele origin: germline.

Myriad Genetics, Inc.
Classification: Benign for Hereditary diffuse gastric adenocarcinoma. Last evaluated: 2024-10-11. Review status: criteria provided, single submitter. Criteria: Myriad Autosomal Dominant, Autosomal Recessive and X-Linked Classification Criteria (2023). Collection method: clinical testing. Allele origin: unknown.
Comment: This variant is considered benign. This variant is a silent/synonymous amino acid change and it is not expected to impact splicing.

Ambry Genetics
Classification: Likely benign for Hereditary cancer-predisposing syndrome. Last evaluated: 2020-04-13. Review status: criteria provided, single submitter. Criteria: Ambry Variant Classification Scheme 2023. Collection method: clinical testing. Allele origin: germline.

NM_001903.5(CTNNA1):c.1494C>T (p.Leu498=)

Gene: CTNNA1 (catenin alpha 1; plus strand). Cytogenetic location: 5q31.2.
Variant type: single nucleotide variant.
Coding change: c.1494C>T on transcript NM_001903.5 (MANE Select); coding-DNA position 1494, C replaced by T.
Protein change: p.Leu498=; no amino-acid change (leucine 498 retained).
Molecular consequence: synonymous variant.
Genome position (GRCh38, 1-based): chr5:138,917,846, C>T. VCF-style: chr5-138917846-C-T. GRCh37 (hg19) VCF-style: chr5-138253535-C-T.
Other names: c.1494C>T, p.Leu498= (NM_001290307.3, NM_001323982.2, NM_001323983.1 and 2 more transcripts); c.1185C>T, p.Leu395= (NM_001290309.3); c.1125C>T, p.Leu375= (NM_001290310.3); c.384C>T, p.Leu128= (NM_001290312.1, NM_001323987.1, NM_001323988.1 and 17 more transcripts); c.1401C>T, p.Leu467= (NM_001323986.2); c.45C>T, p.Leu15= (NM_001324006.1, NM_001324007.1, NM_001324008.1 and 2 more transcripts); c.291C>T, p.Leu97= (NM_001324011.1); c.141C>T, p.Leu47= (NM_001324012.1, NM_001324013.1).
Identifiers: ClinVar variation 706471 (VCV000706471.14), dbSNP rs1413403676, ClinGen allele CA446596222.